The following is an entry in ClinVar:

ClinVar aggregate classification (germline): Uncertain significance. Review status: criteria provided, multiple submitters, no conflicts (2 of 4 stars). 3 submissions from 3 submitters: Uncertain significance (3). Last evaluated 2022-05-18.

Conditions:
Seckel syndrome 7 (SCKL7). Identifiers: Orphanet 319675, MedGen C3553870, MONDO:0013922, OMIM 614851.

Allele frequency attached by ClinVar (database versions not stated): TOPMed 0.00005; ESP Exome Variant Server 0.00008; 1000 Genomes Project 30x 0.00031; 1000 Genomes Project 0.00040.
gnomAD v4.1: 118 of 1,613,262 alleles (0.0073%); highest among the groups gnomAD compares: Middle Eastern, 0.083%; 1 homozygote.

Submissions (4):

Labcorp Genetics (formerly Invitae), Labcorp
Classification: Uncertain significance. Last evaluated: 2022-05-18. Review status: criteria provided, single submitter. Criteria: Invitae Variant Classification Sherloc (09022015). Collection method: clinical testing. Allele origin: germline.
Comment: In summary, the available evidence is currently insufficient to determine the role of this variant in disease. Therefore, it has been classified as a Variant of Uncertain Significance. Algorithms developed to predict the effect of sequence changes on RNA splicing suggest that this variant may create or strengthen a splice site. Algorithms developed to predict the effect of missense changes on protein structure and function are either unavailable or do not agree on the potential impact of this missense change (SIFT: "Deleterious"; PolyPhen-2: "Probably Damaging"; Align-GVGD: "Class C0"). ClinVar contains an entry for this variant (Variation ID: 931903). This variant has not been reported in the literature in individuals affected with NIN-related conditions. This variant is present in population databases (rs151233126, gnomAD 0.009%). This sequence change replaces valine, which is neutral and non-polar, with phenylalanine, which is neutral and non-polar, at codon 1768 of the NIN protein (p.Val1768Phe).

Centre for Mendelian Genomics, University Medical Centre Ljubljana
Classification: Uncertain significance for Seckel syndrome 7. Last evaluated: 2018-11-19. Review status: criteria provided, single submitter. Criteria: ACMG Guidelines, 2015. Collection method: clinical testing. Allele origin: unknown. Affected: yes.
Comment: This variant was classified as: Uncertain significance. The available evidence on this variant's pathogenicity is insufficient or conflicting. The following ACMG criteria were applied in classifying this variant: PM2,PP3.

Genetic Services Laboratory, University of Chicago
Classification: Uncertain significance. Last evaluated: 2018-08-31. Review status: criteria provided, single submitter. Criteria: ACMG Guidelines, 2015. Collection method: clinical testing. Allele origin: germline. Affected: no.

Dr. Peter K. Rogan Lab, Western University
No classification provided (evidence only). Condition: Familial cancer of breast. Review status: no classification provided. Collection method: in vitro. Allele origin: not applicable. Functional consequence: retained intron. Not counted in ClinVar's aggregate classification.

NM_020921.4(NIN):c.5302G>T (p.Val1768Phe)

Gene: NIN (ninein; minus strand). Cytogenetic location: 14q22.1.
Variant type: single nucleotide variant.
Coding change: c.5302G>T on transcript NM_020921.4 (MANE Select); coding-DNA position 5302, G replaced by T.
Protein change: p.Val1768Phe; replaces valine 1768 with phenylalanine.
Molecular consequence: missense variant.
Genome position (GRCh38, 1-based): chr14:50,741,728, C>A on the plus strand (G>T on the coding strand, the complement: NIN is on the minus strand). VCF-style: chr14-50741728-C-A. GRCh37 (hg19) VCF-style: chr14-51208446-C-A.
Other names: c.3163G>T, p.Val1055Phe (NM_016350.5); c.5302G>T, p.Val1768Phe (NM_182944.3, NM_182946.2); short protein forms V1055F, V1768F.
Identifiers: ClinVar variation 931903 (VCV000931903.12), dbSNP rs151233126, ClinGen allele CA7181320.